The following is an entry in ClinVar:

ClinVar aggregate classification (germline): Uncertain significance (1 of 4 stars; one submission).

Conditions:
Cardiovascular phenotype. Identifiers: MedGen CN230736.

Submission:

Ambry Genetics
Classification: Uncertain significance for Cardiovascular phenotype. Last evaluated: 2025-02-22. Review status: criteria provided, single submitter. Criteria: Ambry Variant Classification Scheme 2023. Collection method: clinical testing. Allele origin: germline.
Comment: The p.P1472Q variant (also known as c.4415C>A), located in coding exon 11 of the TNXB gene, results from a C to A substitution at nucleotide position 4415. The proline at codon 1472 is replaced by glutamine, an amino acid with similar properties. This amino acid position is conserved. In addition, this alteration is predicted to be tolerated by in silico analysis. Based on the available evidence, the clinical significance of this variant remains unclear.

NM_001365276.2(TNXB):c.4415C>A (p.Pro1472Gln)

Gene: TNXB (tenascin XB; minus strand). Cytogenetic location: 6p21.33.
Variant type: single nucleotide variant.
Coding change: c.4415C>A on transcript NM_001365276.2 (MANE Select); coding-DNA position 4415, C replaced by A.
Protein change: p.Pro1472Gln; replaces proline 1472 with glutamine.
Molecular consequence: missense variant.
Genome position (GRCh38, 1-based): chr6:32,073,913, G>T on the plus strand (C>A on the coding strand, the complement: TNXB is on the minus strand). VCF-style: chr6-32073913-G-T. GRCh37 (hg19) VCF-style: chr6-32041690-G-T.
Other names: c.5156C>A, p.Pro1719Gln (NM_001428335.1); c.4415C>A, p.Pro1472Gln (NM_019105.8); short protein forms P1472Q, P1719Q.
Identifiers: ClinVar variation 3809368 (VCV003809368.1).
Genomic context (GRCh38, chr6:32,073,913, plus strand): 5'-AGGCCCACAGAGTTGGGGGTCACATCTGTCACTGTCAGCTCTCCTAGGCGTGGCTCCAGC[G>T]GGGACTCAGTGGCTGGAGGGGTCTCTTCTTGTTGTGGGGCTGGGACAGAGATGGTAGGGG-3'
Protein context (NP_001352205.1, residues 1462-1482): QEETPPATES[Pro1472Gln]LEPRLGELTV